The following is an entry in ClinVar:

NM_001256071.3(RNF213):c.626T>A (p.Ile209Asn)

Gene: RNF213 (ring finger protein 213; plus strand). Cytogenetic location: 17q25.3.
Variant type: single nucleotide variant.
Coding change: c.626T>A on transcript NM_001256071.3 (MANE Select); coding-DNA position 626, T replaced by A.
Protein change: p.Ile209Asn; replaces isoleucine 209 with asparagine.
Molecular consequence: missense variant.
Genome position (GRCh38, 1-based): chr17:80,288,179, T>A. VCF-style: chr17-80288179-T-A. GRCh37 (hg19) VCF-style: chr17-78261978-T-A.
Other names: c.626T>A, p.Ile209Asn (NM_020954.4); short protein forms I209N.
Identifiers: ClinVar variation 417837 (VCV000417837.30), dbSNP rs144769597, ClinGen allele CA8819301.
Genomic context (GRCh38, chr17:80,288,179, plus strand): 5'-AGGCTCAGAGCAGCCCGCAATTCCAGGACCACACGGAAGGGGAGGACCAGGACGCTTCCA[T>A]CCCCTCTGGGGGCAGAGGCCTGTCCCAGGAGGGGACCGGTCCCCCCACCTCTGCTGGTGA-3'
Protein context (NP_001243000.2, residues 199-219): HTEGEDQDAS[Ile209Asn]PSGGRGLSQE

ClinVar aggregate classification (germline): Likely benign. Review status: criteria provided, multiple submitters, no conflicts (2 of 4 stars). 6 submissions from 6 submitters: Likely benign (4). 2 of the submissions do not count toward it. Last evaluated 2026-01-26.

Conditions:
RNF213-related disorder. Also called: RNF213-related condition.
Moyamoya disease 2 (MYMY2). Also called: MOYAMOYA DISEASE 2, SUSCEPTIBILITY TO. Identifiers: Orphanet 2573, MedGen C1846689, MONDO:0011784, OMIM 607151.

Allele frequency attached by ClinVar (database versions not stated): 1000 Genomes Project 30x 0.00031; 1000 Genomes Project 0.00040; TOPMed 0.00083; gnomAD 0.00095 and 0.00099; gnomAD exomes 0.00111 and 0.00184; ESP Exome Variant Server 0.00123; ExAC 0.00139.
gnomAD v4.1: 2,789 of 1,611,966 alleles (0.17%); highest among the groups gnomAD compares: Non-Finnish European, 0.22%; 2 homozygotes.

Submissions (6):

Labcorp Genetics (formerly Invitae), Labcorp
Classification: Likely benign. Last evaluated: 2026-01-26. Review status: criteria provided, single submitter. Criteria: Invitae Variant Classification Sherloc (09022015). Collection method: clinical testing. Allele origin: germline.

Blueprint Genetics
Classification: Likely benign. Last evaluated: 2024-11-22. Review status: criteria provided, single submitter. Criteria: ACMG Guidelines, 2015. Collection method: clinical testing. Allele origin: germline.

CeGaT Center for Human Genetics Tuebingen
Classification: Likely benign. Last evaluated: 2024-03-01. Review status: criteria provided, single submitter. Criteria: CeGaT Center For Human Genetics Tuebingen Variant Classification Criteria Version 2. Collection method: clinical testing. Allele origin: germline. Affected: yes. Observed: 1 variant allele.
Comment: RNF213: BP4, BS2

Breakthrough Genomics
Classification: Likely benign. Review status: criteria provided, single submitter. Criteria: ACMG Guidelines, 2015. Collection method: not provided. Allele origin: germline. Inheritance: Autosomal dominant inheritance. Affected: yes.

PreventionGenetics, part of Exact Sciences
Classification: Likely benign for RNF213-related condition. Last evaluated: 2024-09-10. Review status: no assertion criteria provided. Collection method: clinical testing. Allele origin: germline. Not counted in ClinVar's aggregate classification.
Comment: This variant is classified as likely benign based on ACMG/AMP sequence variant interpretation guidelines (Richards et al. 2015 PMID: 25741868, with internal and published modifications).

UMR-S1161, Institut national de la santé et de la recherche médicale
Classification: Uncertain significance for Moyamoya disease 2. Last evaluated: 2017-03-03. Review status: no assertion criteria provided. Collection method: research. Allele origin: unknown. Affected: yes. Study: Rare RNF213 variants in Caucasian moyamoya patients. Not counted in ClinVar's aggregate classification.